The following is an entry in ClinVar:

NM_001103.4(ACTN2):c.1863C>T (p.Arg621=)

Gene: ACTN2 (actinin alpha 2; plus strand). Cytogenetic location: 1q43.
Variant type: single nucleotide variant.
Coding change: c.1863C>T on transcript NM_001103.4 (MANE Select); coding-DNA position 1863, C replaced by T.
Protein change: p.Arg621=; no amino-acid change (arginine 621 retained).
Molecular consequence: synonymous variant.
Genome position (GRCh38, 1-based): chr1:236,753,970, C>T. VCF-style: chr1-236753970-C-T. GRCh37 (hg19) VCF-style: chr1-236917270-C-T.
Other names: c.1863C>T (NM_001103.3, NM_001103.2); c.1863C>T, p.Arg621= (NM_001278343.2); c.1239C>T, p.Arg413= (NM_001278344.2).
Identifiers: ClinVar variation 1637524 (VCV001637524.11), dbSNP rs1161843319, ClinGen allele CA423809983.

ClinVar aggregate classification (germline): Conflicting classifications of pathogenicity. Review status: criteria provided, conflicting classifications (1 of 4 stars). 3 submissions from 3 submitters: Uncertain significance (1); Likely benign (1). 1 of the submissions does not count toward it. Last evaluated 2025-03-10.

Conditions:
Cardiovascular phenotype. Identifiers: MedGen CN230736.
Dilated cardiomyopathy 1AA (CMD1AA). Also called: Cardiomyopathy, dilated, 1AA, with or without LVNC; CARDIOMYOPATHY, FAMILIAL HYPERTROPHIC, 23, WITH OR WITHOUT LEFT VENTRICULAR NONCOMPACTION; CARDIOMYOPATHY, DILATED, 1AA, WITH OR WITHOUT LEFT VENTRICULAR NONCOMPACTION. Identifiers: Orphanet 154, MedGen C2677338, MONDO:0012808, OMIM 612158.
Primary familial hypertrophic cardiomyopathy (HCM). Identifiers: Orphanet 99739, MedGen C0949658, MeSH D024741, MONDO:0024573. Inheritance: Various modes of inheritance.
ACTN2-related disorder. Also called: ACTN2-related disorders; ACTN2 related condition.

Allele frequency attached by ClinVar (database versions not stated): gnomAD exomes below 0.00001 and 0.00001; gnomAD 0.00001; TOPMed 0.00002.
gnomAD v4.1: 13 of 1,614,004 alleles (0.00081%); highest among the groups gnomAD compares: African/African-American, 0.0013%; no homozygotes.

Submissions (3):

Labcorp Genetics (formerly Invitae), Labcorp
Classification: Likely benign for Primary familial hypertrophic cardiomyopathy; Dilated cardiomyopathy 1AA. Last evaluated: 2025-03-10. Review status: criteria provided, single submitter. Criteria: Invitae Variant Classification Sherloc (09022015). Collection method: clinical testing. Allele origin: germline.

Ambry Genetics
Classification: Uncertain significance for Cardiovascular phenotype. Last evaluated: 2025-01-17. Review status: criteria provided, single submitter. Criteria: Ambry Variant Classification Scheme 2023. Collection method: clinical testing. Allele origin: germline.
Comment: The c.1863C>T variant (also known as p.R621R), located in coding exon 16 of the ACTN2 gene, results from a C to T substitution at nucleotide position 1863. This nucleotide substitution does not change the arginine at codon 621. This nucleotide position is poorly conserved in available vertebrate species. In silico splice site analysis for this alteration is inconclusive. Based on the available evidence, the clinical significance of this variant remains unclear.

PreventionGenetics, part of Exact Sciences
Classification: Likely benign for ACTN2-related condition. Last evaluated: 2020-11-06. Review status: no assertion criteria provided. Collection method: clinical testing. Allele origin: germline. Not counted in ClinVar's aggregate classification.
Comment: This variant is classified as likely benign based on ACMG/AMP sequence variant interpretation guidelines (Richards et al. 2015 PMID: 25741868, with internal and published modifications).